The following is an entry in ClinVar:

NM_016239.4(MYO15A):c.9908A>G (p.Lys3303Arg)

Gene: MYO15A (myosin XVA; plus strand). Cytogenetic location: 17p11.2.
Variant type: single nucleotide variant.
Coding change: c.9908A>G on transcript NM_016239.4 (MANE Select); coding-DNA position 9908, A replaced by G.
Protein change: p.Lys3303Arg; replaces lysine 3303 with arginine.
Molecular consequence: missense variant.
Genome position (GRCh38, 1-based): chr17:18,166,481, A>G. VCF-style: chr17-18166481-A-G. GRCh37 (hg19) VCF-style: chr17-18069795-A-G.
Other names: c.9908A>G (NM_016239.3); short protein forms K3303R.
Identifiers: ClinVar variation 3722550 (VCV003722550.4).
Genomic context (GRCh38, chr17:18,166,481, plus strand): 5'-AGCAGGTGGACGGCGGCTACATGCTCTGGTTCCGGCGTGTGCTCTGGGATCAGCCACTCA[A>G]GTTCGAGAATGAGCTATATGTGACCATGCACTACAACCAGGTCAGCACACGTAGGCTTCT-3'
Protein context (NP_057323.3, residues 3293-3313): FRRVLWDQPL[Lys3303Arg]FENELYVTMH

ClinVar aggregate classification (germline): Pathogenic/Likely pathogenic. Review status: criteria provided, multiple submitters, no conflicts (2 of 4 stars). 3 submissions from 3 submitters: Pathogenic (1); Likely pathogenic (2). Last evaluated 2026-01-28.

Conditions:
MYO15A-related disorder. Also called: MYO15A-related condition.

gnomAD v4.1: 17 of 1,613,900 alleles (0.0011%); highest among the groups gnomAD compares: Non-Finnish European, 0.0013%; no homozygotes.

Submissions (3):

GeneDx
Classification: Likely pathogenic. Last evaluated: 2026-01-28. Review status: criteria provided, single submitter. Criteria: GeneDx Variant Classification Process June 2021. Collection method: clinical testing. Allele origin: germline.
Comment: Not observed at significant frequency in large population cohorts (gnomAD); In silico analysis supports a deleterious effect on splicing; In silico analysis suggests that this missense variant does not alter protein structure/function; This variant is associated with the following publications: (PMID: 27375115, 34387732, 26969326)

Labcorp Genetics (formerly Invitae), Labcorp
Classification: Likely pathogenic. Last evaluated: 2024-04-08. Review status: criteria provided, single submitter. Criteria: Invitae Variant Classification Sherloc (09022015). Collection method: clinical testing. Allele origin: germline.
Comment: This sequence change replaces lysine, which is basic and polar, with arginine, which is basic and polar, at codon 3303 of the MYO15A protein (p.Lys3303Arg). This variant is present in population databases (rs776198954, gnomAD 0.003%). This missense change has been observed in individuals with hearing loss (PMID: 26969326, 34387732; Invitae). Advanced modeling of protein sequence and biophysical properties (such as structural, functional, and spatial information, amino acid conservation, physicochemical variation, residue mobility, and thermodynamic stability) performed at Invitae indicates that this missense variant is not expected to disrupt MYO15A protein function with a negative predictive value of 95%. Algorithms developed to predict the effect of sequence changes on RNA splicing suggest that this variant may create or strengthen a splice site. In summary, the currently available evidence indicates that the variant is pathogenic, but additional data are needed to prove that conclusively. Therefore, this variant has been classified as Likely Pathogenic.

Blueprint Genetics
Classification: Pathogenic for MYO15A-related disorders. Last evaluated: 2024-03-13. Review status: criteria provided, single submitter. Criteria: ACMG Guidelines, 2015. Collection method: clinical testing. Allele origin: germline. Affected: yes. Observed: 5 variant alleles.

Literature cited by the submitters: PubMed 26969326 (cited by Labcorp Genetics (formerly Invitae), Labcorp); PubMed 34387732 (cited by Labcorp Genetics (formerly Invitae), Labcorp).